The following is an entry in ClinVar:

ClinVar aggregate classification (germline): Uncertain significance (1 of 4 stars; one submission).

Submission:

Labcorp Genetics (formerly Invitae), Labcorp
Classification: Uncertain significance. Last evaluated: 2021-06-13. Review status: criteria provided, single submitter. Criteria: Invitae Variant Classification Sherloc (09022015). Collection method: clinical testing. Allele origin: germline.
Comment: This variant is not present in population databases (ExAC no frequency). This sequence change replaces serine with arginine at codon 4311 of the PCLO protein (p.Ser4311Arg). The serine residue is moderately conserved and there is a moderate physicochemical difference between serine and arginine. In summary, the available evidence is currently insufficient to determine the role of this variant in disease. Therefore, it has been classified as a Variant of Uncertain Significance. Algorithms developed to predict the effect of missense changes on protein structure and function are either unavailable or do not agree on the potential impact of this missense change (SIFT: "Deleterious"; PolyPhen-2: "Not Available"; Align-GVGD: "Class C0"). This variant has not been reported in the literature in individuals with PCLO-related conditions.

NM_033026.6(PCLO):c.12931A>C (p.Ser4311Arg)

Gene: PCLO (piccolo presynaptic cytomatrix protein; minus strand). Cytogenetic location: 7q21.11.
Variant type: single nucleotide variant.
Coding change: c.12931A>C on transcript NM_033026.6 (MANE Select); coding-DNA position 12931, A replaced by C.
Protein change: p.Ser4311Arg; replaces serine 4311 with arginine.
Molecular consequence: missense variant.
Genome position (GRCh38, 1-based): chr7:82,915,055, T>G on the plus strand (A>C on the coding strand, the complement: PCLO is on the minus strand). VCF-style: chr7-82915055-T-G. GRCh37 (hg19) VCF-style: chr7-82544371-T-G.
Other names: c.12931A>C, p.Ser4311Arg (NM_014510.3); short protein forms S4311R.
Identifiers: ClinVar variation 1360776 (VCV001360776.8), dbSNP rs2116260949, ClinGen allele CA367884980.
Genomic context (GRCh38, chr7:82,915,055, plus strand): 5'-CATGACTAAAGGAAACATCTAGAGCTTCAGCCTCTTGAGCTTTCAGTCTTAGGGAAGAGC[T>G]AGAAGAATCCCTTTTAATTGATAAATCAAGCCCATAGACAGAGGAAGGTCTGGAGGAAGG-3'
Protein context (NP_149015.2, residues 4301-4321): LDLSIKRDSS[Ser4311Arg]SSLRLKAQEA